The following is an entry in ClinVar:

ClinVar aggregate classification (germline): Pathogenic (1 of 4 stars; one submission).

Submission:

Labcorp Genetics (formerly Invitae), Labcorp
Classification: Pathogenic. Last evaluated: 2023-11-26. Review status: criteria provided, single submitter. Criteria: Invitae Variant Classification Sherloc (09022015). Collection method: clinical testing. Allele origin: germline.
Comment: This variant, c.1536_1540delinsTCCACAACTCACTG, is a complex sequence change that results in the deletion of 3 and insertion of 6 amino acid(s) in the SLC26A4 protein (p.Arg512_Gln514delins6). Information on the frequency of this variant in the gnomAD database is not available, as this variant may be reported differently in the database. This variant has not been reported in the literature in individuals affected with SLC26A4-related conditions. This variant disrupts a region of the SLC26A4 protein in which other variant(s) (p.Gln514Lys) have been determined to be pathogenic (PMID: 18285825). This suggests that this is a clinically significant region of the protein, and that variants that disrupt it are likely to be disease-causing. For these reasons, this variant has been classified as Pathogenic.

Literature cited by the submitters: PubMed 18285825.

NM_000441.2(SLC26A4):c.1536_1540delinsTCCACAACTCACTG (p.Arg512_Gln514delinsSerProGlnLeuThrGlu)

Gene: SLC26A4 (solute carrier family 26 member 4; plus strand). Cytogenetic location: 7q22.3.
Variant type: Indel.
Coding change: c.1536_1540delinsTCCACAACTCACTG on transcript NM_000441.2 (MANE Select); coding-DNA positions 1536 to 1540, AGTTC replaced by TCCACAACTCACTG.
Protein change: p.Arg512_Gln514delinsSerProGlnLeuThrGlu.
Molecular consequence: inframe indel.
Genome position (GRCh38, 1-based): chr7:107,696,031-107,696,035, AGTTC replaced by TCCACAACTCACTG. VCF-style: chr7-107696031-AGTTC-TCCACAACTCACTG. GRCh37 (hg19) VCF-style: chr7-107336476-AGTTC-TCCACAACTCACTG.
Identifiers: ClinVar variation 2866021 (VCV002866021.3), dbSNP rs2535329575, ClinGen allele CA2739278745.
Genomic context (GRCh38, chr7:107,696,031, plus strand): 5'-GGGGCTGGATCTCGGTTTACTAGCTGGCCTTATATTTGGACTGTTGACTGTGGTCCTGAG[AGTTC>TCCACAACTCACTG]AGTTGTGAGTAACGTAAAACCCAGATTTCCTATAAACAGAACAACACACTCTGAGCTTCC-3'